The following is an entry in ClinVar:

ClinVar aggregate classification (germline): Uncertain significance (1 of 4 stars; one submission).

Conditions:
Hereditary cancer-predisposing syndrome. Also called: Tumor predisposition; Hereditary neoplastic syndrome; Neoplastic Syndromes, Hereditary; Hereditary Cancer Syndrome. Identifiers: Orphanet 140162, MedGen C0027672, MeSH D009386, MONDO:0015356.

Submission:

Labcorp Genetics (formerly Invitae), Labcorp
Classification: Uncertain significance for Hereditary cancer-predisposing syndrome. Last evaluated: 2021-03-02. Review status: criteria provided, single submitter. Criteria: Invitae Variant Classification Sherloc (09022015). Collection method: clinical testing. Allele origin: germline.
Comment: This variant has not been reported in the literature in individuals with RAD50-related conditions. Experimental studies and prediction algorithms are not available or were not evaluated, and the functional significance of this variant is currently unknown. In summary, the available evidence is currently insufficient to determine the role of this variant in disease. Therefore, it has been classified as a Variant of Uncertain Significance. This variant is not present in population databases (ExAC no frequency). This variant, c.655_657dup, results in the insertion of 1 amino acid(s) to the RAD50 protein (p.Lys219dup), but otherwise preserves the integrity of the reading frame.

NM_005732.4(RAD50):c.655_657dup (p.Lys219dup)

Gene: RAD50 (RAD50 double strand break repair protein; plus strand). Cytogenetic location: 5q31.1.
Variant type: Duplication.
Coding change: c.655_657dup on transcript NM_005732.4 (MANE Select); coding-DNA positions 655 to 657, 3 bases duplicated (AAA; older notation c.655_657dupAAA).
Protein change: p.Lys219dup; duplicates lysine 219.
Molecular consequence: inframe insertion.
Genome position (GRCh38, 1-based): chr5:132,579,965-132,579,967, AAA duplicated; duplicating any 3 consecutive bases within chr5:132,579,963-132,579,967 gives the same sequence; the c. name uses the placement nearest the transcript's 3' end. VCF-style (leftmost placement, unchanged base first): chr5-132579962-G-GAAA. GRCh37 (hg19) VCF-style: chr5-131915654-G-GAAA.
Identifiers: ClinVar variation 1359612 (VCV001359612.8), dbSNP rs2149837995, ClinGen allele CA2573139082.
Genomic context (GRCh38, chr5:132,579,962, plus strand): 5'-ACACAAGGTCAGAAAGTAAAAGAATATCAAATGGAACTAAAATATCTGAAGCAATATAAG[G>GAAA]AAAAAGCTTGTGAGATTCGTGATCAGATTACAAGTAAGGAAGCCCAGTTAACATCTTCAA-3'